The following is an entry in ClinVar:

ClinVar aggregate classification (germline): Uncertain significance (1 of 4 stars; one submission).

gnomAD v4.1: 4 of 1,604,184 alleles (0.00025%); highest among the groups gnomAD compares: Non-Finnish European, 0.00025%; no homozygotes.

Submission:

Ambry Genetics
Classification: Uncertain significance. Last evaluated: 2024-12-07. Review status: criteria provided, single submitter. Criteria: Ambry Variant Classification Scheme 2023. Collection method: clinical testing. Allele origin: germline.
Comment: The p.G1164V variant (also known as c.3491G>T), located in coding exon 14 of the WNK2 gene, results from a G to T substitution at nucleotide position 3491. The glycine at codon 1164 is replaced by valine, an amino acid with dissimilar properties. This amino acid position is conserved. In addition, this alteration is predicted to be tolerated by in silico analysis. Based on the available evidence, the clinical significance of this variant remains unclear.

NM_006648.4(WNK2):c.3491G>T (p.Gly1164Val)

Gene: WNK2 (WNK lysine deficient protein kinase 2; plus strand). Cytogenetic location: 9q22.31.
Variant type: single nucleotide variant.
Coding change: c.3491G>T on transcript NM_006648.4 (MANE Select); coding-DNA position 3491, G replaced by T.
Protein change: p.Gly1164Val; replaces glycine 1164 with valine.
Molecular consequence: missense variant.
Genome position (GRCh38, 1-based): chr9:93,263,646, G>T. VCF-style: chr9-93263646-G-T. GRCh37 (hg19) VCF-style: chr9-96025928-G-T.
Other names: c.3491G>T, p.Gly1164Val (NM_001282394.3); short protein forms G1164V.
Identifiers: ClinVar variation 3470640 (VCV003470640.1).